The following is an entry in ClinVar:

NM_173477.5(USH1G):c.430G>A (p.Glu144Lys)

Gene: USH1G (USH1 protein network component sans; minus strand). Cytogenetic location: 17q25.1.
Variant type: single nucleotide variant.
Coding change: c.430G>A on transcript NM_173477.5 (MANE Select); coding-DNA position 430, G replaced by A.
Protein change: p.Glu144Lys; replaces glutamic acid 144 with lysine.
Molecular consequence: missense variant.
Genome position (GRCh38, 1-based): chr17:74,920,406, C>T on the plus strand (G>A on the coding strand, the complement: USH1G is on the minus strand). VCF-style: chr17-74920406-C-T. GRCh37 (hg19) VCF-style: chr17-72916501-C-T.
Other names: c.121G>A, p.Glu41Lys (NM_001282489.3); short protein forms E144K, E41K.
Identifiers: ClinVar variation 2011595 (VCV002011595.4), dbSNP rs2544431234, ClinGen allele CA400965411.

ClinVar aggregate classification (germline): Uncertain significance (1 of 4 stars; one submission).

Submission:

Labcorp Genetics (formerly Invitae), Labcorp
Classification: Uncertain significance. Last evaluated: 2022-07-05. Review status: criteria provided, single submitter. Criteria: Invitae Variant Classification Sherloc (09022015). Collection method: clinical testing. Allele origin: germline.
Comment: In summary, the available evidence is currently insufficient to determine the role of this variant in disease. Therefore, it has been classified as a Variant of Uncertain Significance. Algorithms developed to predict the effect of missense changes on protein structure and function are either unavailable or do not agree on the potential impact of this missense change (SIFT: "Not Available"; PolyPhen-2: "Probably Damaging"; Align-GVGD: "Not Available"). This variant has not been reported in the literature in individuals affected with USH1G-related conditions. This variant is not present in population databases (gnomAD no frequency). This sequence change replaces glutamic acid, which is acidic and polar, with lysine, which is basic and polar, at codon 144 of the USH1G protein (p.Glu144Lys).